The following is an entry in ClinVar:

ClinVar aggregate classification (germline): Uncertain significance (0 of 4 stars; one submission).

Allele frequency attached by ClinVar (database versions not stated): gnomAD 0.00001.
gnomAD v4.1: 1 of 1,614,024 alleles (0.000062%); highest among the groups gnomAD compares: Non-Finnish European, 0.000085%; no homozygotes.

Submission:

Martin Pollak Laboratory,  Beth Israel Deaconess Medical Center
Classification: Uncertain significance. Review status: no assertion criteria provided. Collection method: not provided. Allele origin: unknown.
Comment: Lower UCa2+ group
ClinVar note: Converted during submission from unknown to Uncertain significance.

NM_032387.5(WNK4):c.2084C>G (p.Thr695Ser)

Gene: WNK4 (WNK lysine deficient protein kinase 4; plus strand). Cytogenetic location: 17q21.2.
Variant type: single nucleotide variant.
Coding change: c.2084C>G on transcript NM_032387.5 (MANE Select); coding-DNA position 2084, C replaced by G.
Protein change: p.Thr695Ser; replaces threonine 695 with serine.
Molecular consequence: missense variant.
Genome position (GRCh38, 1-based): chr17:42,788,724, C>G. VCF-style: chr17-42788724-C-G. GRCh37 (hg19) VCF-style: chr17-40940742-C-G.
Other names: c.1076C>G, p.Thr359Ser (NM_001321299.2); short protein forms T695S, T359S.
Identifiers: ClinVar variation 64598 (VCV000064598.2), dbSNP rs387907561, ClinGen allele CA216482.